The following is an entry in ClinVar:

ClinVar aggregate classification (germline): Uncertain significance. Review status: criteria provided, multiple submitters, no conflicts (2 of 4 stars). 2 submissions from 2 submitters: Uncertain significance (2). Last evaluated 2023-11-22.

Conditions:
Inborn genetic diseases. Identifiers: MedGen C0950123, MeSH D030342.

Allele frequency attached by ClinVar (database versions not stated): gnomAD 0.00001; TOPMed 0.00003; ExAC 0.00007.
gnomAD v4.1: 30 of 1,612,652 alleles (0.0019%); highest among the groups gnomAD compares: Admixed American, 0.05%; no homozygotes.

Submissions (2):

Greenwood Genetic Center Diagnostic Laboratories, Greenwood Genetic Center
Classification: Uncertain significance. Last evaluated: 2023-11-22. Review status: criteria provided, single submitter. Criteria: ACMG Guidelines, 2015. Collection method: clinical testing. Allele origin: germline. Affected: yes.
Comment: PM2

Ambry Genetics
Classification: Uncertain significance for Inborn genetic diseases. Last evaluated: 2022-06-17. Review status: criteria provided, single submitter. Criteria: Ambry Variant Classification Scheme 2023. Collection method: clinical testing. Allele origin: germline.
Comment: Not expected to trigger nonsense-mediated mRNA decay Based on insufficient or conflicting evidence, the clinical significance of this alteration remains unclear.

NM_004204.5(PIGQ):c.*379G>A

Gene: PIGQ (phosphatidylinositol glycan anchor biosynthesis class Q; plus strand). Cytogenetic location: 16p13.3.
Variant type: single nucleotide variant.
Coding change: c.*379G>A on transcript NM_004204.5 (MANE Select); 379 bases downstream of the stop codon, G replaced by A.
Molecular consequence: 3 prime UTR variant. On other transcripts: nonsense (1).
Genome position (GRCh38, 1-based): chr16:583,414, G>A. VCF-style: chr16-583414-G-A. GRCh37 (hg19) VCF-style: chr16-633414-G-A.
Other names: c.2063G>A, p.Trp688Ter (NM_148920.4); short protein forms W688*.
Identifiers: ClinVar variation 2356483 (VCV002356483.3), dbSNP rs775553398, ClinGen allele CA7780611.